The following is an entry in ClinVar:

ClinVar aggregate classification (germline): Likely benign (1 of 4 stars; one submission).

gnomAD v4.1: 215 of 1,599,866 alleles (0.013%); highest among the groups gnomAD compares: East Asian, 0.21%; 1 homozygote.

Submission:

CeGaT Center for Human Genetics Tuebingen
Classification: Likely benign. Last evaluated: 2026-09-01. Review status: criteria provided, single submitter. Criteria: CeGaT Center For Human Genetics Tuebingen Variant Classification Criteria Version 2. Collection method: clinical testing. Allele origin: germline. Affected: yes. Observed: 1 variant allele.
Comment: HYDIN: BP4, BP7

NM_001270974.2(HYDIN):c.6981C>T (p.Arg2327=)

Gene: HYDIN (HYDIN axonemal central pair apparatus protein; minus strand). Cytogenetic location: 16q22.2.
Variant type: single nucleotide variant.
Coding change: c.6981C>T on transcript NM_001270974.2 (MANE Select); coding-DNA position 6981, C replaced by T.
Protein change: p.Arg2327=; no amino-acid change (arginine 2327 retained).
Molecular consequence: synonymous variant.
Genome position (GRCh38, 1-based): chr16:70,938,628, G>A on the plus strand (C>T on the coding strand, the complement: HYDIN is on the minus strand). VCF-style: chr16-70938628-G-A. GRCh37 (hg19) VCF-style: chr16-70972531-G-A.
Identifiers: ClinVar variation 5040869 (VCV005040869.1).